The following is an entry in ClinVar:

NM_000540.3(RYR1):c.2004C>A (p.Asp668Glu)

Gene: RYR1 (ryanodine receptor 1; plus strand). Cytogenetic location: 19q13.2.
Variant type: single nucleotide variant.
Coding change: c.2004C>A on transcript NM_000540.3 (MANE Select); coding-DNA position 2004, C replaced by A.
Protein change: p.Asp668Glu; replaces aspartic acid 668 with glutamic acid.
Molecular consequence: missense variant.
Genome position (GRCh38, 1-based): chr19:38,458,129, C>A. VCF-style: chr19-38458129-C-A. GRCh37 (hg19) VCF-style: chr19-38948769-C-A.
Other names: c.2004C>A, p.Asp668Glu (NM_001042723.2); short protein forms D668E.
Identifiers: ClinVar variation 544437 (VCV000544437.10), dbSNP rs78835441, ClinGen allele CA308125742.

ClinVar aggregate classification (germline): Uncertain significance. Review status: criteria provided, multiple submitters, no conflicts (2 of 4 stars). 3 submissions from 3 submitters: Uncertain significance (3). Last evaluated 2025-02-06.

Conditions:
RYR1-related disorder. Also called: RYR1-related condition; RYR1-related disorders. Identifiers: MedGen CN239331.
Inborn genetic diseases. Identifiers: MedGen C0950123, MeSH D030342.

Allele frequency attached by ClinVar (database versions not stated): TOPMed 0.00001.
gnomAD v4.1: 6 of 1,613,886 alleles (0.00037%); highest among the groups gnomAD compares: African/African-American, 0.008%; no homozygotes.

Submissions (3):

Ambry Genetics
Classification: Uncertain significance for Inborn genetic diseases. Last evaluated: 2025-02-06. Review status: criteria provided, single submitter. Criteria: Ambry Variant Classification Scheme 2023. Collection method: clinical testing. Allele origin: germline.

Labcorp Genetics (formerly Invitae), Labcorp
Classification: Uncertain significance for RYR1-related disorder. Last evaluated: 2024-11-12. Review status: criteria provided, single submitter. Criteria: Invitae Variant Classification Sherloc (09022015). Collection method: clinical testing. Allele origin: germline.
Comment: This sequence change replaces aspartic acid, which is acidic and polar, with glutamic acid, which is acidic and polar, at codon 668 of the RYR1 protein (p.Asp668Glu). This variant is present in population databases (no rsID available, gnomAD 0.01%). This variant has not been reported in the literature in individuals affected with RYR1-related conditions. ClinVar contains an entry for this variant (Variation ID: 544437). Invitae Evidence Modeling of protein sequence and biophysical properties (such as structural, functional, and spatial information, amino acid conservation, physicochemical variation, residue mobility, and thermodynamic stability) indicates that this missense variant is not expected to disrupt RYR1 protein function with a negative predictive value of 95%. In summary, the available evidence is currently insufficient to determine the role of this variant in disease. Therefore, it has been classified as a Variant of Uncertain Significance.

Women's Health and Genetics/Laboratory Corporation of America, LabCorp
Classification: Uncertain significance. Last evaluated: 2023-03-27. Review status: criteria provided, single submitter. Criteria: LabCorp Variant Classification Summary - May 2015. Collection method: clinical testing. Allele origin: germline.
Comment: Variant summary: RYR1 c.2004C>A (p.Asp668Glu) results in a conservative amino acid change located in the B30.2/SPRY domain (IPR001870) of the encoded protein sequence. Three of four in-silico tools predict a benign effect of the variant on protein function. The variant allele was found at a frequency of 1.2e-05 in 251178 control chromosomes (gnomAD). The available data on variant occurrences in the general population are insufficient to allow any conclusion about variant significance. To our knowledge, no occurrence of c.2004C>A in individuals affected with Malignant Hyperthermia Susceptibility and no experimental evidence demonstrating its impact on protein function have been reported. One clinical diagnostic laboratory has submitted clinical-significance assessments for this variant to ClinVar after 2014 and classified the variant as uncertain significance. Based on the evidence outlined above, the variant was classified as uncertain significance.